The following is an entry in ClinVar:

NM_175914.5(HNF4A):c.*2678_*2679insTT

Gene: HNF4A (hepatocyte nuclear factor 4 alpha; plus strand). Cytogenetic location: 20q13.12.
Variant type: Insertion.
Coding change: c.*2678_*2679insTT on transcript NM_175914.5 (MANE Select); 2678 bases downstream of the stop codon through 2679 bases downstream of the stop codon, TT inserted.
Molecular consequence: 3 prime UTR variant.
Genome position: GRCh38 VCF-style: chr20-44432342-C-CTT. GRCh37 (hg19) VCF-style: chr20-43060982-C-CTT.
Other names: c.*2678_*2679insTT (NM_000457.6, NM_001030003.3, NM_001258355.2 and 3 more transcripts).
Identifiers: ClinVar variation 2442317 (VCV002442317.1), dbSNP rs761222838, ClinGen allele CA315422745.

ClinVar aggregate classification (germline): Uncertain significance (1 of 4 stars; one submission).

Conditions:
Maturity-onset diabetes of the young (MODY). Also called: Maturity onset diabetes mellitus in young. Identifiers: Orphanet 552, MedGen C0342276, MONDO:0018911, HP:0004904.

Submission:

Clinical Genomics, Uppaluri K&H Personalized Medicine Clinic
Classification: Uncertain significance for Maturity-onset diabetes of the young. Review status: criteria provided, single submitter. Criteria: K & H Uppaluri Personalized Medicine Clinic Variant Classification & Assertion Criteria_Updated V.1. Collection method: research. Allele origin: unknown. Inheritance: Autosomal dominant inheritance.
Comment: Potent mutations in HNF4A are associated with poor insulin secretion in response to hyperglycemia. Associated with MODY1. Patients initially respond well to sulfonylureas but eventually become insulin dependent. However, more evidence is required to ascertain the role of this particular variant rs761222838 in MODY, yet.

Literature cited by the submitters: DOI 10.1159/000334532; PubMed 18268044; PubMed 17563455; PubMed 32583173; PubMed 35052457; PubMed 35118593.